The following is an entry in ClinVar:

ClinVar aggregate classification (germline): Pathogenic. Review status: criteria provided, multiple submitters, no conflicts (2 of 4 stars). 2 submissions from 2 submitters: Pathogenic (2). Last evaluated 2025-01-21.

Conditions:
DICER1-related tumor predisposition. Also called: DICER1-related pleuropulmonary blastoma cancer predisposition syndrome; DICER1 syndrome. Identifiers: Orphanet 284343, MedGen C3839822, MONDO:0100216.
Hereditary cancer-predisposing syndrome. Also called: Tumor predisposition; Neoplastic Syndromes, Hereditary; Hereditary Cancer Syndrome; Hereditary neoplastic syndrome. Identifiers: Orphanet 140162, MedGen C0027672, MeSH D009386, MONDO:0015356.

Submissions (2):

Labcorp Genetics (formerly Invitae), Labcorp
Classification: Pathogenic for DICER1-related tumor predisposition. Last evaluated: 2025-01-21. Review status: criteria provided, single submitter. Criteria: Invitae Variant Classification Sherloc (09022015). Collection method: clinical testing. Allele origin: germline.
Comment: This sequence change creates a premature translational stop signal (p.Thr719Leufs*39) in the DICER1 gene. It is expected to result in an absent or disrupted protein product. Loss-of-function variants in DICER1 are known to be pathogenic (PMID: 19556464, 21266384). This variant is not present in population databases (gnomAD no frequency). This variant has not been reported in the literature in individuals affected with DICER1-related conditions. ClinVar contains an entry for this variant (Variation ID: 1786809). For these reasons, this variant has been classified as Pathogenic.

Ambry Genetics
Classification: Pathogenic for Hereditary cancer-predisposing syndrome. Last evaluated: 2021-05-03. Review status: criteria provided, single submitter. Criteria: Ambry Variant Classification Scheme 2023. Collection method: clinical testing. Allele origin: germline.
Comment: The c.2155delA pathogenic mutation, located in coding exon 13 of the DICER1 gene, results from a deletion of one nucleotide at nucleotide position 2155, causing a translational frameshift with a predicted alternate stop codon (p.T719Lfs*39). This alteration is expected to result in loss of function by premature protein truncation or nonsense-mediated mRNA decay. As such, this alteration is interpreted as a disease-causing mutation.

Literature cited by the submitters: PubMed 19556464 (cited by Labcorp Genetics (formerly Invitae), Labcorp); PubMed 21266384 (cited by Labcorp Genetics (formerly Invitae), Labcorp).

NM_177438.3(DICER1):c.2155del (p.Thr719fs)

Gene: DICER1 (dicer 1, ribonuclease III; minus strand). Cytogenetic location: 14q32.13.
Variant type: Deletion.
Coding change: c.2155del on transcript NM_177438.3 (MANE Select); coding-DNA position 2155, one base deleted (A; older notation c.2155delA).
Protein change: p.Thr719fs; shifts the reading frame from threonine 719.
Molecular consequence: frameshift variant. On other transcripts: non-coding transcript variant (6).
Genome position (GRCh38, 1-based): chr14:95,111,418, T deleted on the plus strand (A on the coding strand, the reverse complement: DICER1 is on the minus strand). VCF-style (leftmost placement, unchanged base first): chr14-95111417-GT-G. GRCh37 (hg19) VCF-style: chr14-95577754-GT-G.
Other names: c.2155del, p.Thr719fs (NM_001195573.1, NM_001271282.3, NM_001291628.2 and 12 more transcripts); c.2155delA, p.Thr719Leufs (NM_001395681.1); c.1873del, p.Thr625fs (NM_001395686.1); c.1750del, p.Thr584fs (NM_001395687.1, NM_001395688.1, NM_001395689.1 and 3 more transcripts); c.1588del, p.Thr530fs (NM_001395691.1); c.472del, p.Thr158fs (NM_001395697.1); short protein forms T719fs, T584fs, T530fs, T625fs, T158fs.
Identifiers: ClinVar variation 1786809 (VCV001786809.4), dbSNP rs2542913539, ClinGen allele CA2580088959.